The following is an entry in ClinVar:

ClinVar aggregate classification (germline): Likely benign. Review status: criteria provided, multiple submitters, no conflicts (2 of 4 stars). 3 submissions from 3 submitters: Likely benign (3). Last evaluated 2025-09-12.

Conditions:
IMPG2-related disorder. Also called: IMPG2-related condition.

gnomAD v4.1: 5 of 1,613,898 alleles (0.00031%); highest among the groups gnomAD compares: Admixed American, 0.0067%; no homozygotes.

Submissions (3):

PreventionGenetics, part of Exact Sciences
Classification: Likely benign for IMPG2-related condition. Last evaluated: 2025-09-12. Review status: criteria provided, single submitter. Criteria: ACMG Guidelines, 2015. Collection method: clinical testing. Allele origin: germline.
Comment: This variant is classified as likely benign based on ACMG/AMP sequence variant interpretation guidelines (Richards et al. 2015 PMID: 25741868, with internal and published modifications).

Labcorp Genetics (formerly Invitae), Labcorp
Classification: Likely benign. Last evaluated: 2025-04-01. Review status: criteria provided, single submitter. Criteria: Invitae Variant Classification Sherloc (09022015). Collection method: clinical testing. Allele origin: germline.

Blueprint Genetics
Classification: Likely benign. Last evaluated: 2019-09-17. Review status: criteria provided, single submitter. Criteria: ACMG Guidelines, 2015. Collection method: clinical testing. Allele origin: germline.

NM_016247.4(IMPG2):c.3453A>G (p.Ser1151=)

Gene: IMPG2 (interphotoreceptor matrix proteoglycan 2; minus strand). Cytogenetic location: 3q12.3.
Variant type: single nucleotide variant.
Coding change: c.3453A>G on transcript NM_016247.4 (MANE Select); coding-DNA position 3453, A replaced by G.
Protein change: p.Ser1151=; no amino-acid change (serine 1151 retained).
Molecular consequence: synonymous variant.
Genome position (GRCh38, 1-based): chr3:101,229,560, T>C on the plus strand (A>G on the coding strand, the complement: IMPG2 is on the minus strand). VCF-style: chr3-101229560-T-C. GRCh37 (hg19) VCF-style: chr3-100948404-T-C.
Other names: c.3453A>G (NM_016247.3).
Identifiers: ClinVar variation 3611609 (VCV003611609.4).